The following is an entry in ClinVar:

ClinVar aggregate classification (germline): Likely benign. Review status: criteria provided, multiple submitters, no conflicts (2 of 4 stars). 3 submissions from 3 submitters: Likely benign (2). 1 of the submissions does not count toward it. Last evaluated 2025-10-01.

Conditions:
SH2B1-related disorder. Also called: SH2B1-related condition.

Allele frequency attached by ClinVar (database versions not stated): TOPMed 0.00001; gnomAD 0.00003; gnomAD exomes 0.00003; ExAC 0.00007; ESP Exome Variant Server 0.00008.
gnomAD v4.1: 58 of 1,583,672 alleles (0.0037%); highest among the groups gnomAD compares: South Asian, 0.018%; 1 homozygote.

Submissions (3):

Ambry Genetics
Classification: Likely benign. Last evaluated: 2025-10-01. Review status: criteria provided, single submitter. Criteria: Ambry Variant Classification Scheme 2023. Collection method: clinical testing. Allele origin: germline.

Labcorp Genetics (formerly Invitae), Labcorp
Classification: Likely benign. Last evaluated: 2024-08-27. Review status: criteria provided, single submitter. Criteria: Invitae Variant Classification Sherloc (09022015). Collection method: clinical testing. Allele origin: germline.

PreventionGenetics, part of Exact Sciences
Classification: Likely benign for SH2B1-related condition. Last evaluated: 2019-10-17. Review status: no assertion criteria provided. Collection method: clinical testing. Allele origin: germline. Not counted in ClinVar's aggregate classification.
Comment: This variant is classified as likely benign based on ACMG/AMP sequence variant interpretation guidelines (Richards et al. 2015 PMID: 25741868, with internal and published modifications).

NM_001387430.1(SH2B1):c.99C>T (p.His33=)

Gene: SH2B1 (SH2B adaptor protein 1; plus strand). Cytogenetic location: 16p11.2.
Variant type: single nucleotide variant.
Coding change: c.99C>T on transcript NM_001387430.1 (MANE Select); coding-DNA position 99, C replaced by T.
Protein change: p.His33=; no amino-acid change (histidine 33 retained).
Molecular consequence: synonymous variant. On other transcripts: intron variant (1).
Genome position (GRCh38, 1-based): chr16:28,866,193, C>T. VCF-style: chr16-28866193-C-T. GRCh37 (hg19) VCF-style: chr16-28877514-C-T.
Other names: c.99C>T, p.His33= (NM_001145795.2, NM_001145796.2, NM_001145797.2 and 4 more transcripts); c.-26-1181C>T (NM_001308294.2).
Identifiers: ClinVar variation 3046103 (VCV003046103.5), dbSNP rs377177338, ClinGen allele CA7985846.
Genomic context (GRCh38, chr16:28,866,193, plus strand): 5'-CTCGTCTCCCCCGCTGCCCCCACCCCCGCCCCCTAGTTGGCGGGAGTTCTGTGAGTCCCA[C>T]GCCCGGGCTGCGGCTCTGGACTTTGCCCGCCGTTTTCGCCTCTACCTGGCCTCCCACCCC-3'
Protein context (NP_001374359.1, residues 23-43): PPSWREFCES[His33=]ARAAALDFAR